The following is an entry in ClinVar:

NM_005359.6(SMAD4):c.828C>G (p.Tyr276Ter)

Gene: SMAD4 (SMAD family member 4; plus strand). Cytogenetic location: 18q21.2.
Variant type: single nucleotide variant.
Coding change: c.828C>G on transcript NM_005359.6 (MANE Select); coding-DNA position 828, C replaced by G.
Protein change: p.Tyr276Ter; replaces tyrosine 276 with a stop codon.
Molecular consequence: nonsense.
Genome position (GRCh38, 1-based): chr18:51,058,380, C>G. VCF-style: chr18-51058380-C-G. GRCh37 (hg19) VCF-style: chr18-48584750-C-G.
Other names: p.Tyr276*; short protein forms Y276*.
Identifiers: ClinVar variation 935512 (VCV000935512.9), dbSNP rs1909901558, ClinGen allele CA402463413.

ClinVar aggregate classification (germline): Pathogenic. Review status: criteria provided, multiple submitters, no conflicts (2 of 4 stars). 3 submissions from 3 submitters: Pathogenic (3). Last evaluated 2025-01-16.

Conditions:
Juvenile polyposis syndrome (JPS). Identifiers: Orphanet 2929, MedGen C0345893, MONDO:0017380, OMIM 174900.
Familial thoracic aortic aneurysm and aortic dissection (TAAD). Also called: Thoracic aortic aneurysms and dissections. Identifiers: Orphanet 91387, MedGen C4707243, MONDO:0019625.
Hereditary cancer-predisposing syndrome. Also called: Tumor predisposition; Hereditary neoplastic syndrome; Neoplastic Syndromes, Hereditary; Hereditary Cancer Syndrome. Identifiers: Orphanet 140162, MedGen C0027672, MeSH D009386, MONDO:0015356.

Submissions (3):

Ambry Genetics
Classification: Pathogenic for Hereditary cancer-predisposing syndrome; Familial thoracic aortic aneurysm and aortic dissection. Last evaluated: 2025-01-16. Review status: criteria provided, single submitter. Criteria: Ambry Variant Classification Scheme 2023. Collection method: clinical testing. Allele origin: germline.
Comment: The p.Y276* pathogenic mutation (also known as c.828C>G), located in coding exon 6 of the SMAD4 gene, results from a C to G substitution at nucleotide position 828. This changes the amino acid from a tyrosine to a stop codon within coding exon 6. This variant is considered to be rare based on population cohorts in the Genome Aggregation Database (gnomAD). This alteration is expected to result in loss of function by premature protein truncation or nonsense-mediated mRNA decay. As such, this alteration is interpreted as a disease-causing mutation.

Mayo Clinic Laboratories, Mayo Clinic
Classification: Pathogenic. Last evaluated: 2024-06-10. Review status: criteria provided, single submitter. Criteria: ACMG Guidelines, 2015. Collection method: clinical testing. Allele origin: germline. Observed: 1 variant allele.
Comment: PP4, PM2, PVS1

Labcorp Genetics (formerly Invitae), Labcorp
Classification: Pathogenic for Juvenile polyposis syndrome. Last evaluated: 2019-09-26. Review status: criteria provided, single submitter. Criteria: Invitae Variant Classification Sherloc (09022015). Collection method: clinical testing. Allele origin: germline.
Comment: For these reasons, this variant has been classified as Pathogenic. Loss-of-function variants in SMAD4 are known to be pathogenic (PMID: 16152648, 16436638, 22810475). This variant has not been reported in the literature in individuals with SMAD4-related conditions. This variant is not present in population databases (ExAC no frequency). This sequence change creates a premature translational stop signal (p.Tyr276*) in the SMAD4 gene. It is expected to result in an absent or disrupted protein product.

Literature cited by the submitters: PubMed 16152648 (cited by Labcorp Genetics (formerly Invitae), Labcorp); PubMed 16436638 (cited by Labcorp Genetics (formerly Invitae), Labcorp); PubMed 22810475 (cited by Labcorp Genetics (formerly Invitae), Labcorp).